The following is an entry in ClinVar:

NM_001031689.3(PLAA):c.1505C>T (p.Pro502Leu)

Gene: PLAA (phospholipase A2 activating protein; minus strand). Cytogenetic location: 9p21.2.
Variant type: single nucleotide variant.
Coding change: c.1505C>T on transcript NM_001031689.3 (MANE Select); coding-DNA position 1505, C replaced by T.
Protein change: p.Pro502Leu; replaces proline 502 with leucine.
Molecular consequence: missense variant.
Genome position (GRCh38, 1-based): chr9:26,913,929, G>A on the plus strand (C>T on the coding strand, the complement: PLAA is on the minus strand). VCF-style: chr9-26913929-G-A. GRCh37 (hg19) VCF-style: chr9-26913927-G-A.
Other names: c.1436C>T, p.Pro479Leu (NM_001321546.2); short protein forms P502L, P479L.
Identifiers: ClinVar variation 3676678 (VCV003676678.2).

ClinVar aggregate classification (germline): Uncertain significance (1 of 4 stars; one submission).

Submission:

Labcorp Genetics (formerly Invitae), Labcorp
Classification: Uncertain significance. Last evaluated: 2024-02-17. Review status: criteria provided, single submitter. Criteria: Invitae Variant Classification Sherloc (09022015). Collection method: clinical testing. Allele origin: germline.
Comment: This sequence change replaces proline, which is neutral and non-polar, with leucine, which is neutral and non-polar, at codon 502 of the PLAA protein (p.Pro502Leu). This variant is not present in population databases (gnomAD no frequency). This variant has not been reported in the literature in individuals affected with PLAA-related conditions. An algorithm developed to predict the effect of missense changes on protein structure and function (PolyPhen-2) suggests that this variant is likely to be tolerated. In summary, the available evidence is currently insufficient to determine the role of this variant in disease. Therefore, it has been classified as a Variant of Uncertain Significance.